The following is an entry in ClinVar:

ClinVar aggregate classification (germline): Uncertain significance (1 of 4 stars; one submission).

gnomAD v4.1: 16 of 1,614,078 alleles (0.00099%); highest among the groups gnomAD compares: East Asian, 0.0022%; no homozygotes.

Submission:

Labcorp Genetics (formerly Invitae), Labcorp
Classification: Uncertain significance. Last evaluated: 2025-05-13. Review status: criteria provided, single submitter. Criteria: Invitae Variant Classification Sherloc (09022015). Collection method: clinical testing. Allele origin: germline.
Comment: This sequence change affects codon 96 of the KLHL9 mRNA. It is a 'silent' change, meaning that it does not change the encoded amino acid sequence of the KLHL9 protein. This variant is present in population databases (rs757817069, gnomAD 0.002%). This variant has not been reported in the literature in individuals affected with KLHL9-related conditions. In summary, the available evidence is currently insufficient to determine the role of this variant in disease. Therefore, it has been classified as a Variant of Uncertain Significance.

NM_018847.4(KLHL9):c.288T>C (p.His96=)

Gene: KLHL9 (kelch like family member 9; minus strand). Cytogenetic location: 9p21.3.
Variant type: single nucleotide variant.
Coding change: c.288T>C on transcript NM_018847.4 (MANE Select); coding-DNA position 288, T replaced by C.
Protein change: p.His96=; no amino-acid change (histidine 96 retained).
Molecular consequence: synonymous variant.
Genome position (GRCh38, 1-based): chr9:21,334,572, A>G on the plus strand (T>C on the coding strand, the complement: KLHL9 is on the minus strand). VCF-style: chr9-21334572-A-G. GRCh37 (hg19) VCF-style: chr9-21334571-A-G.
Identifiers: ClinVar variation 4749611 (VCV004749611.1).